The following is an entry in ClinVar:

ClinVar aggregate classification (germline): Uncertain significance (1 of 4 stars; one submission).

Submission:

GeneDx
Classification: Uncertain significance. Last evaluated: 2025-02-20. Review status: criteria provided, single submitter. Criteria: GeneDx Variant Classification Process June 2021. Collection method: clinical testing. Allele origin: germline. Affected: yes.
Comment: Not observed at significant frequency in large population cohorts (gnomAD); In silico analysis supports that this missense variant has a deleterious effect on protein structure/function; Has not been previously published as pathogenic or benign to our knowledge

NM_001282116.2(RFX3):c.1705T>C (p.Trp569Arg)

Gene: RFX3 (regulatory factor X3; minus strand). Cytogenetic location: 9p24.2.
Variant type: single nucleotide variant.
Coding change: c.1705T>C on transcript NM_001282116.2 (MANE Select); coding-DNA position 1705, T replaced by C.
Protein change: p.Trp569Arg; replaces tryptophan 569 with arginine.
Molecular consequence: missense variant.
Genome position (GRCh38, 1-based): chr9:3,257,100, A>G on the plus strand (T>C on the coding strand, the complement: RFX3 is on the minus strand). VCF-style: chr9-3257100-A-G. GRCh37 (hg19) VCF-style: chr9-3257100-A-G.
Other names: c.1705T>C, p.Trp569Arg (NM_001377999.1, NM_002919.4, NM_134428.3); short protein forms W569R.
Identifiers: ClinVar variation 4076730 (VCV004076730.1).